The following is an entry in ClinVar:

NM_015557.3(CHD5):c.5612T>C (p.Met1871Thr)

Gene: CHD5 (chromodomain helicase DNA binding protein 5; minus strand). Cytogenetic location: 1p36.31.
Variant type: single nucleotide variant.
Coding change: c.5612T>C on transcript NM_015557.3 (MANE Select); coding-DNA position 5612, T replaced by C.
Protein change: p.Met1871Thr; replaces methionine 1871 with threonine.
Molecular consequence: missense variant.
Genome position (GRCh38, 1-based): chr1:6,106,746, A>G on the plus strand (T>C on the coding strand, the complement: CHD5 is on the minus strand). VCF-style: chr1-6106746-A-G. GRCh37 (hg19) VCF-style: chr1-6166806-A-G.
Other names: short protein forms M1871T.
Identifiers: ClinVar variation 3902079 (VCV003902079.1).

ClinVar aggregate classification (germline): Uncertain significance (1 of 4 stars; one submission).

Conditions:
Parenti-mignot neurodevelopmental syndrome. Identifiers: MedGen C5676984, MONDO:0859249, OMIM 619873.

Submission:

Laboratorio de Genetica e Diagnostico Molecular, Hospital Israelita Albert Einstein
Classification: Uncertain significance for Parenti-mignot neurodevelopmental syndrome. Last evaluated: 2024-12-28. Review status: criteria provided, single submitter. Criteria: ACMG Guidelines, 2015. Collection method: clinical testing. Allele origin: germline. Affected: yes.
Comment: ACMG classification criteria: PM2 supporting, PP2 supporting, PP3 supporting